The following is an entry in ClinVar:

NM_001042517.2(DIAPH3):c.2558_2572dup (p.Ala857_Gln858insArgSerArgAsnAla)

Gene: DIAPH3 (diaphanous related formin 3; minus strand). Cytogenetic location: 13q21.2.
Variant type: Duplication.
Coding change: c.2558_2572dup on transcript NM_001042517.2 (MANE Select); coding-DNA positions 2558 to 2572, 15 bases duplicated (GCTCCCGGAATGCTC).
Protein change: p.Ala857_Gln858insArgSerArgAsnAla.
Genome position (GRCh38, 1-based): chr13:59,879,264-59,879,278, GAGCATTCCGGGAGC duplicated on the plus strand (GCTCCCGGAATGCTC on the coding strand, the reverse complement: DIAPH3 is on the minus strand). VCF-style (leftmost placement, unchanged base first): chr13-59879263-T-TGAGCATTCCGGGAGC. GRCh37 (hg19) VCF-style: chr13-60453397-T-TGAGCATTCCGGGAGC.
Other names: c.2525_2539dup, p.Ala846_Gln847insArgSerArgAsnAla (NM_001258366.2); c.2420_2434dup, p.Ala811_Gln812insArgSerArgAsnAla (NM_001258367.2); c.2348_2362dup, p.Ala787_Gln788insArgSerArgAsnAla (NM_001258368.2); c.2558_2572dup, p.Ala857_Gln858insArgSerArgAsnAla (NM_001258369.2); c.1769_1783dup, p.Ala594_Gln595insArgSerArgAsnAla (NM_001258370.2, NM_030932.4).
Identifiers: ClinVar variation 4760683 (VCV004760683.1).

ClinVar aggregate classification (germline): Uncertain significance (1 of 4 stars; one submission).

Submission:

Labcorp Genetics (formerly Invitae), Labcorp
Classification: Uncertain significance. Last evaluated: 2025-11-24. Review status: criteria provided, single submitter. Criteria: Invitae Variant Classification Sherloc (09022015). Collection method: clinical testing. Allele origin: germline.
Comment: This variant, c.2558_2572dup, results in the insertion of 5 amino acid(s) of the DIAPH3 protein (p.Ala857_Gln858insArgSerArgAsnAla), but otherwise preserves the integrity of the reading frame. This variant is not present in population databases (gnomAD no frequency). This variant has not been reported in the literature in individuals affected with DIAPH3-related conditions. In summary, the available evidence is currently insufficient to determine the role of this variant in disease. Therefore, it has been classified as a Variant of Uncertain Significance.